The following is an entry in ClinVar:

NM_000038.6(APC):c.2797A>G (p.Asn933Asp)

Gene: APC (APC regulator of Wnt signaling pathway; plus strand). Cytogenetic location: 5q22.2.
Variant type: single nucleotide variant.
Coding change: c.2797A>G on transcript NM_000038.6 (MANE Select); coding-DNA position 2797, A replaced by G.
Protein change: p.Asn933Asp; replaces asparagine 933 with aspartic acid.
Molecular consequence: missense variant.
Genome position (GRCh38, 1-based): chr5:112,838,391, A>G. VCF-style: chr5-112838391-A-G. GRCh37 (hg19) VCF-style: chr5-112174088-A-G.
Other names: c.2797A>G, p.Asn933Asp (NM_001127510.3, NM_001354895.2); c.2743A>G, p.Asn915Asp (NM_001127511.3); c.2851A>G, p.Asn951Asp (NM_001354896.2); c.2827A>G, p.Asn943Asp (NM_001354897.2); c.2722A>G, p.Asn908Asp (NM_001354898.2); c.2713A>G, p.Asn905Asp (NM_001354899.2); c.2674A>G, p.Asn892Asp (NM_001354900.2); c.2620A>G, p.Asn874Asp (NM_001354901.2); and 5 more; short protein forms N933D, N915D, N773D, N892D, N650D, N807D, N832D, N951D.
Identifiers: ClinVar variation 411363 (VCV000411363.54), dbSNP rs1060503270, ClinGen allele CA16027429.

ClinVar aggregate classification (germline): Uncertain significance. Review status: criteria provided, multiple submitters, no conflicts (2 of 4 stars). 2 submissions from 2 submitters: Uncertain significance (2). Last evaluated 2023-09-05.

Conditions:
Familial adenomatous polyposis 1 (FAP1). Also called: FAMILIAL ADENOMATOUS POLYPOSIS 1, ATTENUATED; POLYPOSIS, ADENOMATOUS INTESTINAL. Identifiers: MedGen C2713442, MONDO:0021056, OMIM 175100. Disease mechanism: loss of function.
Hereditary cancer-predisposing syndrome. Also called: Tumor predisposition; Hereditary Cancer Syndrome; Hereditary neoplastic syndrome; Neoplastic Syndromes, Hereditary. Identifiers: Orphanet 140162, MedGen C0027672, MeSH D009386, MONDO:0015356.

Allele frequency attached by ClinVar (database versions not stated): gnomAD exomes below 0.00001; TOPMed below 0.00001.
gnomAD v4.1: 1 of 1,614,214 alleles (0.000062%); highest among the groups gnomAD compares: African/African-American, 0.0013%; no homozygotes.

Submissions (2):

Ambry Genetics
Classification: Uncertain significance for Hereditary cancer-predisposing syndrome. Last evaluated: 2023-09-05. Review status: criteria provided, single submitter. Criteria: Ambry Variant Classification Scheme 2023. Collection method: clinical testing. Allele origin: germline.
Comment: The p.N933D variant (also known as c.2797A>G), located in coding exon 15 of the APC gene, results from an A to G substitution at nucleotide position 2797. The asparagine at codon 933 is replaced by aspartic acid, an amino acid with highly similar properties. This amino acid position is not well conserved in available vertebrate species. In addition, in silico predictors for this gene do not accurately predict pathogenicity. Since supporting evidence is limited at this time, the clinical significance of this alteration remains unclear.

Labcorp Genetics (formerly Invitae), Labcorp
Classification: Uncertain significance for Familial adenomatous polyposis 1. Last evaluated: 2019-04-18. Review status: criteria provided, single submitter. Criteria: Invitae Variant Classification Sherloc (09022015). Collection method: clinical testing. Allele origin: germline.
Comment: This sequence change replaces asparagine with aspartic acid at codon 933 of the APC protein (p.Asn933Asp). The asparagine residue is highly conserved and there is a small physicochemical difference between asparagine and aspartic acid. This variant is not present in population databases (ExAC no frequency) and has not been reported in the literature in individuals with an APC-related disease. Algorithms developed to predict the effect of missense changes on protein structure and function do not agree on the potential impact of this missense change (SIFT: "Deleterious"; PolyPhen-2: "Benign"; Align-GVGD: "Class C0"). Algorithms developed to predict the effect of sequence changes on RNA splicing suggest that this variant may alter RNA splicing, but this prediction has not been confirmed by published transcriptional studies. In summary, this variant is a novel missense change with uncertain impact on mRNA splicing and protein function. It has been classified as a Variant of Uncertain Significance.